The following is an entry in ClinVar:

NM_006904.7(PRKDC):c.1120A>G (p.Lys374Glu)

Gene: PRKDC (protein kinase, DNA-activated, catalytic subunit; minus strand). Cytogenetic location: 8q11.21.
Variant type: single nucleotide variant.
Coding change: c.1120A>G on transcript NM_006904.7 (MANE Select); coding-DNA position 1120, A replaced by G.
Protein change: p.Lys374Glu; replaces lysine 374 with glutamic acid.
Molecular consequence: missense variant.
Genome position (GRCh38, 1-based): chr8:47,936,511, T>C on the plus strand (A>G on the coding strand, the complement: PRKDC is on the minus strand). VCF-style: chr8-47936511-T-C. GRCh37 (hg19) VCF-style: chr8-48849071-T-C.
Other names: c.1120A>G, p.Lys374Glu (NM_001081640.2); short protein forms K374E.
Identifiers: ClinVar variation 1797604 (VCV001797604.2), dbSNP rs2551879752, ClinGen allele CA371166389.

ClinVar aggregate classification (germline): Uncertain significance (1 of 4 stars; one submission).

Submission:

Ambry Genetics
Classification: Uncertain significance. Last evaluated: 2022-07-04. Review status: criteria provided, single submitter. Criteria: Ambry Variant Classification Scheme 2023. Collection method: clinical testing. Allele origin: germline.
Comment: The p.K374E variant (also known as c.1120A>G), located in coding exon 12 of the PRKDC gene, results from an A to G substitution at nucleotide position 1120. The lysine at codon 374 is replaced by glutamic acid, an amino acid with similar properties. This amino acid position is conserved. In addition, the in silico prediction for this alteration is inconclusive. Since supporting evidence is limited at this time, the clinical significance of this alteration remains unclear.